The following is an entry in ClinVar:

ClinVar aggregate classification (germline): Likely benign (0 of 4 stars; one submission).

Conditions:
SCYL1-related disorder. Also called: SCYL1-related condition.

Submission:

PreventionGenetics, part of Exact Sciences
Classification: Likely benign for SCYL1-related condition. Last evaluated: 2024-04-22. Review status: no assertion criteria provided. Collection method: clinical testing. Allele origin: germline.
Comment: This variant is classified as likely benign based on ACMG/AMP sequence variant interpretation guidelines (Richards et al. 2015 PMID: 25741868, with internal and published modifications).

NM_020680.4(SCYL1):c.1566G>A (p.Val522=)

Gene: SCYL1 (SCY1 like pseudokinase 1; plus strand). Cytogenetic location: 11q13.1.
Variant type: single nucleotide variant.
Coding change: c.1566G>A on transcript NM_020680.4 (MANE Select); coding-DNA position 1566, G replaced by A.
Protein change: p.Val522=; no amino-acid change (valine 522 retained).
Molecular consequence: synonymous variant.
Genome position (GRCh38, 1-based): chr11:65,536,132, G>A. VCF-style: chr11-65536132-G-A. GRCh37 (hg19) VCF-style: chr11-65303603-G-A.
Other names: c.1566G>A, p.Val522= (NM_001048218.2, NM_001411022.1, NM_001425179.1 and 16 more transcripts); c.1563G>A, p.Val521= (NM_001425180.1, NM_001425183.1); c.1488G>A, p.Val496= (NM_001425187.1); c.1482G>A, p.Val494= (NM_001425189.1); c.1452G>A, p.Val484= (NM_001425191.1); c.1311G>A, p.Val437= (NM_001425199.1); c.1302G>A, p.Val434= (NM_001425200.1); c.1137G>A, p.Val379= (NM_001425203.1, NM_001425204.1, NM_001425205.1 and 2 more transcripts); and 1 more.
Identifiers: ClinVar variation 3347837 (VCV003347837.1).
Genomic context (GRCh38, chr11:65,536,132, plus strand): 5'-CTGTGCCCAGAAGATCCTGCCTGTGCTCTGCGGTCTCACTGTAGATCCTGAGAAATCCGT[G>A]CGAGACCAGGTGAGGCACAGCTGGGCCTGGGCCCTGGGCTGGGGCTGTAGGGGATGTCAG-3'
Protein context (NP_065731.3, residues 512-532): CGLTVDPEKS[Val522=]RDQAFKAIRS